The following is an entry in ClinVar:

ClinVar aggregate classification (germline): Uncertain significance (1 of 4 stars; one submission).

Submission:

Women's Health and Genetics/Laboratory Corporation of America, LabCorp
Classification: Uncertain significance. Last evaluated: 2024-11-26. Review status: criteria provided, single submitter. Criteria: LabCorp Variant Classification Summary - May 2015. Collection method: clinical testing. Allele origin: germline.
Comment: Variant summary: SURF1 c.356C>T (p.Pro119Leu) results in a non-conservative amino acid change in the encoded protein sequence. Three of five in-silico tools predict a damaging effect of the variant on protein function. The frequency data for this variant in gnomAD is considered unreliable, as metrics indicate poor data quality at this position. c.356C>T has been reported in the literature in an individual affected with Leigh Syndrome (Kose_2020). These data indicate that the variant may be associated with disease. To our knowledge, no experimental evidence demonstrating an impact on protein function has been reported. The following publication has been ascertained in the context of this evaluation (PMID: 33134083). No submitters have cited clinical-significance assessments for this variant to ClinVar. Based on the evidence outlined above, the variant was classified as VUS-possibly pathogenic.

Literature cited by the submitters: PubMed 33134083.

NM_003172.4(SURF1):c.356C>T (p.Pro119Leu)

Gene: SURF1 (SURF1 cytochrome c oxidase assembly factor; minus strand). Cytogenetic location: 9q34.2.
Variant type: single nucleotide variant.
Coding change: c.356C>T on transcript NM_003172.4 (MANE Select); coding-DNA position 356, C replaced by T.
Protein change: p.Pro119Leu; replaces proline 119 with leucine.
Molecular consequence: missense variant.
Genome position (GRCh38, 1-based): chr9:133,353,908, G>A on the plus strand (C>T on the coding strand, the complement: SURF1 is on the minus strand). VCF-style: chr9-133353908-G-A. GRCh37 (hg19) VCF-style: chr9-136220763-G-A.
Other names: c.29C>T, p.Pro10Leu (NM_001280787.1); short protein forms P10L, P119L.
Identifiers: ClinVar variation 3629540 (VCV003629540.2).
Genomic context (GRCh38, chr9:133,353,908, plus strand): 5'-ATGGTCCGGGGCATCATATACAGCTCCTTGGAATGGTCAAAGCACCCCCTGACCTTCACT[G>A]GCCTATACTCCAGATTTTTCAGTTCCATTGGGCTGCATGGAGATAAGAACAGTGGCCGAG-3'
Protein context (NP_003163.1, residues 109-129): PMELKNLEYR[Pro119Leu]VKVRGCFDHS